The following is an entry in ClinVar:

NM_001368894.2(PAX6):c.807+5C>T

Gene: PAX6 (paired box 6; minus strand). Cytogenetic location: 11p13.
Variant type: single nucleotide variant.
Coding change: c.807+5C>T on transcript NM_001368894.2 (MANE Select); 5 bases into the intron after coding-DNA position 807, C replaced by T.
Molecular consequence: intron variant.
Genome position (GRCh38, 1-based): chr11:31,794,027, G>A on the plus strand (C>T on the coding strand, the complement: PAX6 is on the minus strand). VCF-style: chr11-31794027-G-A. GRCh37 (hg19) VCF-style: chr11-31815575-G-A.
Other names: c.357+5C>T (NM_001368905.2, NM_001368906.2, NM_001368908.2 and 11 more transcripts); c.840+5C>T (NM_001368920.2); c.882+5C>T (NM_001368918.2, NM_001368919.2); c.765+5C>T (NM_001368889.2, NM_001368891.2, NM_001310159.1 and 10 more transcripts); c.606+5C>T (NM_001368924.2, NM_001368921.2, NM_001368923.2 and 4 more transcripts); c.162+5C>T (NM_001368930.2); c.807+5C>T (NM_001258462.3, NM_001310158.2, NM_001258463.2 and 7 more transcripts); c.1008+5C>T (NM_001368910.2); and 2 more.
Identifiers: ClinVar variation 806641 (VCV000806641.51), dbSNP rs376564909, ClinGen allele CA5933803.

ClinVar aggregate classification (germline): Conflicting classifications of pathogenicity. Review status: criteria provided, conflicting classifications (1 of 4 stars). 6 submissions from 6 submitters: Uncertain significance (2); Likely benign (2). 2 of the submissions do not count toward it. Last evaluated 2026-05-30.

Conditions:
PAX6-related disorder. Also called: PAX6-related disorders; PAX6-related condition.
Aniridia 1 (AN1). Identifiers: Orphanet 250923, MedGen C0344542, MONDO:0024507, OMIM 106210.
Irido-corneo-trabecular dysgenesis (ASGD5). Also called: ANTERIOR SEGMENT DYSGENESIS 5. Identifiers: Orphanet 708, MedGen C0344559, MONDO:0011414, OMIM 604229, HP:0000659.

Allele frequency attached by ClinVar (database versions not stated): gnomAD exomes 0.00012 and 0.00021; gnomAD 0.00013 and 0.00014; ExAC 0.00015; TOPMed 0.00015; ESP Exome Variant Server 0.00038.
gnomAD v4.1: 312 of 1,584,614 alleles (0.02%); highest among the groups gnomAD compares: Non-Finnish European, 0.026%; no homozygotes.

Submissions (6):

PreventionGenetics, part of Exact Sciences
Classification: Uncertain significance for PAX6-related condition. Last evaluated: 2026-05-30. Review status: criteria provided, single submitter. Criteria: ACMG Guidelines, 2015. Collection method: clinical testing. Allele origin: germline.
Comment: The PAX6 c.807+5C>T variant is predicted to interfere with splicing. To our knowledge, this variant has not been reported in the literature. This variant is reported in 0.021% of alleles in individuals of European (Non-Finnish) descent in gnomAD, which may be too common to be an unreported cause of disease. Although we suspect that this variant may be benign, at this time, the clinical significance of this variant is uncertain due to the absence of conclusive functional and genetic evidence.

Labcorp Genetics (formerly Invitae), Labcorp
Classification: Likely benign for Aniridia 1; Irido-corneo-trabecular dysgenesis. Last evaluated: 2025-09-16. Review status: criteria provided, single submitter. Criteria: Invitae Variant Classification Sherloc (09022015). Collection method: clinical testing. Allele origin: germline.

Blueprint Genetics
Classification: Likely benign. Last evaluated: 2024-08-19. Review status: criteria provided, single submitter. Criteria: ACMG Guidelines, 2015. Collection method: clinical testing. Allele origin: germline.

CeGaT Center for Human Genetics Tuebingen
Classification: Uncertain significance. Last evaluated: 2019-04-01. Review status: criteria provided, single submitter. Criteria: CeGaT Center For Human Genetics Tuebingen Variant Classification Criteria Version 2. Collection method: clinical testing. Allele origin: germline. Affected: yes. Observed: 1 variant allele.

Diagnostic Laboratory, Department of Genetics, University Medical Center Groningen
Classification: Likely benign. Review status: no assertion criteria provided. Collection method: clinical testing. Allele origin: germline. Affected: yes. Study: VKGL Data-share Consensus. Not counted in ClinVar's aggregate classification.

Laboratory of Diagnostic Genome Analysis, Leiden University Medical Center (LUMC)
Classification: Likely benign. Review status: no assertion criteria provided. Collection method: clinical testing. Allele origin: germline. Affected: yes. Study: VKGL Data-share Consensus. Not counted in ClinVar's aggregate classification.